The following is an entry in ClinVar:

NM_145861.4(EDARADD):c.*1887G>A

Gene: EDARADD (EDAR associated via death domain; plus strand). Cytogenetic location: 1q43.
Variant type: single nucleotide variant.
Coding change: c.*1887G>A on transcript NM_145861.4 (MANE Select); 1887 bases downstream of the stop codon, G replaced by A.
Molecular consequence: 3 prime UTR variant.
Genome position (GRCh38, 1-based): chr1:236,484,536, G>A. VCF-style: chr1-236484536-G-A. GRCh37 (hg19) VCF-style: chr1-236647836-G-A.
Other names: NC_000001.10:g.236647836G>A; c.*1887G>A (NM_001422628.1, NM_080738.5).
Identifiers: ClinVar variation 296484 (VCV000296484.7), dbSNP rs114783553, ClinGen allele CA10610579.

ClinVar aggregate classification (germline): Benign (1 of 4 stars; one submission).

Conditions:
Hypohidrotic ectodermal dysplasia (HED). Identifiers: Orphanet 238468, MedGen C5848103, MONDO:0016535, HP:0007607.

Allele frequency attached by ClinVar (database versions not stated): gnomAD 0.00607 and 0.00647; TOPMed 0.00666; 1000 Genomes Project 0.00779; 1000 Genomes Project 30x 0.00828.
gnomAD v4.1: 1,816 of 1,319,046 alleles (0.14%); highest among the groups gnomAD compares: African/African-American, 2.1%; 10 homozygotes.

Submissions (3):

Illumina Laboratory Services, Illumina
Classification: Benign for Hypohidrotic ectodermal dysplasia. Last evaluated: 2018-01-13. Review status: criteria provided, single submitter. Criteria: ICSL Variant Classification Criteria 13 December 2019. Collection method: clinical testing. Allele origin: germline.
Comment: This variant was observed in the ICSL laboratory as part of a predisposition screen in an ostensibly healthy population. It had not been previously curated by ICSL or reported in the Human Gene Mutation Database (HGMD: prior to June 1st, 2018), and was therefore a candidate for classification through an automated scoring system. Utilizing variant allele frequency, disease prevalence and penetrance estimates, and inheritance mode, an automated score was calculated to assess if this variant is too frequent to cause the disease. Based on the score and internal cut-off values, a variant classified as benign is not then subjected to further curation. The score for this variant resulted in a classification of benign for this disease.

Dr. Peter K. Rogan Lab, Western University
No classification provided (evidence only). Condition: Malignant tumor of esophagus. Review status: no classification provided. Collection method: in vitro. Allele origin: not applicable. Functional consequence: retained intron. Not counted in ClinVar's aggregate classification.

Dr. Peter K. Rogan Lab, Western University
No classification provided (evidence only). Condition: Thymoma. Review status: no classification provided. Collection method: in vitro. Allele origin: not applicable. Functional consequence: retained intron. Not counted in ClinVar's aggregate classification.